The following is an entry in ClinVar:

ClinVar aggregate classification (germline): Benign. Review status: criteria provided, multiple submitters, no conflicts (2 of 4 stars). 3 submissions from 3 submitters: Benign (3). Last evaluated 2026-01-29.

Conditions:
ARHGEF18-related disorder. Also called: ARHGEF18-related condition.

Allele frequency attached by ClinVar (database versions not stated): ESP Exome Variant Server 0.00015; gnomAD 0.00511 and 0.00521; ExAC 0.00527; 1000 Genomes Project 30x 0.00656; 1000 Genomes Project 0.00659; TOPMed 0.00687.
gnomAD v4.1: 3,109 of 1,588,368 alleles (0.2%); highest among the groups gnomAD compares: Admixed American, 4.1%; 82 homozygotes.

Submissions (19):

Labcorp Genetics (formerly Invitae), Labcorp
Classification: Benign. Last evaluated: 2026-01-29. Review status: criteria provided, single submitter. Criteria: Invitae Variant Classification Sherloc (09022015). Collection method: clinical testing. Allele origin: germline.

PreventionGenetics, part of Exact Sciences
Classification: Benign for ARHGEF18-related condition. Last evaluated: 2024-11-09. Review status: criteria provided, single submitter. Criteria: ACMG Guidelines, 2015. Collection method: clinical testing. Allele origin: germline.
Comment: This variant is classified as benign based on ACMG/AMP sequence variant interpretation guidelines (Richards et al. 2015 PMID: 25741868, with internal and published modifications).

Breakthrough Genomics
Classification: Benign. Review status: criteria provided, single submitter. Criteria: ACMG Guidelines, 2015. Collection method: not provided. Allele origin: germline. Inheritance: Autosomal recessive inheritance. Affected: yes.

Dr. Peter K. Rogan Lab, Western University
No classification provided (evidence only). Condition: Clear cell carcinoma of kidney. Review status: no classification provided. Collection method: in vitro. Allele origin: not applicable. Functional consequence: retained intron. Not counted in ClinVar's aggregate classification.

Dr. Peter K. Rogan Lab, Western University
No classification provided (evidence only). Condition: Melanoma. Review status: no classification provided. Collection method: in vitro. Allele origin: not applicable. Functional consequence: retained intron. Not counted in ClinVar's aggregate classification.

Dr. Peter K. Rogan Lab, Western University
No classification provided (evidence only). Condition: Thyroid cancer, nonmedullary, 1. Review status: no classification provided. Collection method: in vitro. Allele origin: not applicable. Functional consequence: retained intron. Not counted in ClinVar's aggregate classification.

Dr. Peter K. Rogan Lab, Western University
No classification provided (evidence only). Condition: Thyroid cancer, nonmedullary, 1. Review status: no classification provided. Collection method: in vitro. Allele origin: not applicable. Functional consequence: retained intron. Not counted in ClinVar's aggregate classification.

Dr. Peter K. Rogan Lab, Western University
No classification provided (evidence only). Condition: Thyroid cancer, nonmedullary, 1. Review status: no classification provided. Collection method: in vitro. Allele origin: not applicable. Functional consequence: retained intron. Not counted in ClinVar's aggregate classification.

Dr. Peter K. Rogan Lab, Western University
No classification provided (evidence only). Condition: Cervical cancer. Review status: no classification provided. Collection method: in vitro. Allele origin: not applicable. Functional consequence: retained intron. Not counted in ClinVar's aggregate classification.

Dr. Peter K. Rogan Lab, Western University
No classification provided (evidence only). Condition: Cervical cancer. Review status: no classification provided. Collection method: in vitro. Allele origin: not applicable. Functional consequence: retained intron. Not counted in ClinVar's aggregate classification.

Dr. Peter K. Rogan Lab, Western University
No classification provided (evidence only). Condition: Hepatocellular carcinoma. Review status: no classification provided. Collection method: in vitro. Allele origin: not applicable. Functional consequence: retained intron. Not counted in ClinVar's aggregate classification.

Dr. Peter K. Rogan Lab, Western University
No classification provided (evidence only). Condition: Ovarian serous cystadenocarcinoma. Review status: no classification provided. Collection method: in vitro. Allele origin: not applicable. Functional consequence: retained intron. Not counted in ClinVar's aggregate classification.

Dr. Peter K. Rogan Lab, Western University
No classification provided (evidence only). Condition: Ovarian serous cystadenocarcinoma. Review status: no classification provided. Collection method: in vitro. Allele origin: not applicable. Functional consequence: retained intron. Not counted in ClinVar's aggregate classification.

Dr. Peter K. Rogan Lab, Western University
No classification provided (evidence only). Condition: Ovarian serous cystadenocarcinoma. Review status: no classification provided. Collection method: in vitro. Allele origin: not applicable. Functional consequence: retained intron. Not counted in ClinVar's aggregate classification.

Dr. Peter K. Rogan Lab, Western University
No classification provided (evidence only). Condition: Gastric cancer. Review status: no classification provided. Collection method: in vitro. Allele origin: not applicable. Functional consequence: retained intron. Not counted in ClinVar's aggregate classification.

Dr. Peter K. Rogan Lab, Western University
No classification provided (evidence only). Condition: Gastric cancer. Review status: no classification provided. Collection method: in vitro. Allele origin: not applicable. Functional consequence: retained intron. Not counted in ClinVar's aggregate classification.

Dr. Peter K. Rogan Lab, Western University
No classification provided (evidence only). Condition: Gastric cancer. Review status: no classification provided. Collection method: in vitro. Allele origin: not applicable. Functional consequence: retained intron. Not counted in ClinVar's aggregate classification.

Dr. Peter K. Rogan Lab, Western University
No classification provided (evidence only). Condition: Malignant tumor of esophagus. Review status: no classification provided. Collection method: in vitro. Allele origin: not applicable. Functional consequence: retained intron. Not counted in ClinVar's aggregate classification.

Dr. Peter K. Rogan Lab, Western University
No classification provided (evidence only). Condition: Malignant tumor of esophagus. Review status: no classification provided. Collection method: in vitro. Allele origin: not applicable. Functional consequence: retained intron. Not counted in ClinVar's aggregate classification.

NM_001367823.1(ARHGEF18):c.2631C>T (p.Ser877=)

Gene: ARHGEF18 (Rho/Rac guanine nucleotide exchange factor 18; plus strand). Cytogenetic location: 19p13.2.
Variant type: single nucleotide variant.
Coding change: c.2631C>T on transcript NM_001367823.1 (MANE Select); coding-DNA position 2631, C replaced by T.
Protein change: p.Ser877=; no amino-acid change (serine 877 retained).
Molecular consequence: synonymous variant.
Genome position (GRCh38, 1-based): chr19:7,462,330, C>T. VCF-style: chr19-7462330-C-T. GRCh37 (hg19) VCF-style: chr19-7527216-C-T.
Other names: c.1905C>T, p.Ser635= (NM_001130955.2); c.1593C>T, p.Ser531= (NM_001367824.1, NM_015318.4).
Identifiers: ClinVar variation 769952 (VCV000769952.13), dbSNP rs2303140, ClinGen allele CA9136917.